The following is an entry in ClinVar:

NM_002691.4(POLD1):c.2251-5C>A

Gene: POLD1 (DNA polymerase delta 1, catalytic subunit; plus strand). Cytogenetic location: 19q13.33.
Variant type: single nucleotide variant.
Coding change: c.2251-5C>A on transcript NM_002691.4 (MANE Select); 5 bases into the intron before coding-DNA position 2251, C replaced by A.
Molecular consequence: intron variant.
Genome position (GRCh38, 1-based): chr19:50,413,737, C>A. VCF-style: chr19-50413737-C-A. GRCh37 (hg19) VCF-style: chr19-50916994-C-A.
Other names: c.2251-5C>A (NM_001256849.1); c.2329-5C>A (NM_001308632.1).
Identifiers: ClinVar variation 1413307 (VCV001413307.8), dbSNP rs1236954722, ClinGen allele CA2573156723.

ClinVar aggregate classification (germline): Uncertain significance (1 of 4 stars; one submission).

Conditions:
POLD1-related polyposis and colorectal cancer syndrome (CRCS10). Also called: Colorectal cancer, susceptibility to, 10; Colorectal cancer 10; COLORECTAL CANCER, SUSCEPTIBILITY TO, ON CHROMOSOME 19q. Identifiers: Orphanet 220460, MedGen C2675481, MONDO:0012953, OMIM 612591.

Submission:

Labcorp Genetics (formerly Invitae), Labcorp
Classification: Uncertain significance for POLD1-related polyposis and colorectal cancer syndrome. Last evaluated: 2021-08-28. Review status: criteria provided, single submitter. Criteria: Invitae Variant Classification Sherloc (09022015). Collection method: clinical testing. Allele origin: germline.
Comment: In summary, the available evidence is currently insufficient to determine the role of this variant in disease. Therefore, it has been classified as a Variant of Uncertain Significance. Algorithms developed to predict the effect of sequence changes on RNA splicing suggest that this variant may disrupt the consensus splice site, but this prediction has not been confirmed by published transcriptional studies. This variant has not been reported in the literature in individuals with POLD1-related conditions. This variant is not present in population databases (ExAC no frequency). This sequence change falls in intron 18 of the POLD1 gene. It does not directly change the encoded amino acid sequence of the POLD1 protein.